The following is an entry in ClinVar:

NM_015662.3(IFT172):c.4909G>A (p.Val1637Ile)

Genes: KRTCAP3 (keratinocyte associated protein 3; plus strand), IFT172 (intraflagellar transport 172; minus strand). Cytogenetic location: 2p23.3.
Variant type: single nucleotide variant.
Coding change: c.4909G>A on transcript NM_015662.3 (MANE Select); coding-DNA position 4909, G replaced by A.
Protein change: p.Val1637Ile; replaces valine 1637 with isoleucine.
Molecular consequence: missense variant. On other transcripts: intron variant (1).
Genome position (GRCh38, 1-based): chr2:27,445,750, C>T on the plus strand (G>A on the coding strand, the complement: IFT172 is on the minus strand). VCF-style: chr2-27445750-C-T. GRCh37 (hg19) VCF-style: chr2-27668617-C-T.
Other names: c.4843G>A, p.Val1615Ile (NM_001410739.1); c.*6-551C>T (NM_001168364.2); short protein forms V1637I, V1615I.
Identifiers: ClinVar variation 1408653 (VCV001408653.14), dbSNP rs571686284, ClinGen allele CA1579432.

ClinVar aggregate classification (germline): Conflicting classifications of pathogenicity. Review status: criteria provided, conflicting classifications (1 of 4 stars). 5 submissions from 5 submitters: Uncertain significance (4); Likely benign (1). Last evaluated 2025-06-12.

Conditions:
Short-rib thoracic dysplasia 10 with or without polydactyly (SRTD10). Identifiers: Orphanet 474, MedGen C3810175, MONDO:0014284, OMIM 615630.
Retinitis pigmentosa 71 (RP71). Identifiers: Orphanet 791, MedGen C4225342, MONDO:0014618, OMIM 616394.
Bardet-Biedl syndrome 20. Identifiers: MedGen C4310707, MONDO:0023670, OMIM 619471, MONDO:0014926.
IFT172-related disorder. Also called: IFT172-related disorders; IFT172-related condition.

Allele frequency attached by ClinVar (database versions not stated): gnomAD exomes 0.00005 and 0.00010; ExAC 0.00013; gnomAD 0.00006; 1000 Genomes Project 0.00060; TOPMed below 0.00001; 1000 Genomes Project 30x 0.00047.
gnomAD v4.1: 88 of 1,614,198 alleles (0.0055%); highest among the groups gnomAD compares: South Asian, 0.081%; 1 homozygote.

Submissions (5):

PreventionGenetics, part of Exact Sciences
Classification: Uncertain significance for IFT172-related condition. Last evaluated: 2025-06-12. Review status: criteria provided, single submitter. Criteria: ACMG Guidelines, 2015. Collection method: clinical testing. Allele origin: germline.
Comment: The IFT172 c.4909G>A variant is predicted to result in the amino acid substitution p.Val1637Ile. To our knowledge, this variant has not been reported in the literature. This variant is reported in 0.082% of alleles in individuals of South Asian descent in gnomAD, which may be too common to be a primary cause of disease. Although we suspect that this variant may be benign, the clinical significance of this variant is uncertain at this time due to the absence of conclusive functional and genetic evidence.

Labcorp Genetics (formerly Invitae), Labcorp
Classification: Likely benign for Retinitis pigmentosa 71; Short-rib thoracic dysplasia 10 with or without polydactyly. Last evaluated: 2025-05-11. Review status: criteria provided, single submitter. Criteria: Invitae Variant Classification Sherloc (09022015). Collection method: clinical testing. Allele origin: germline.

Fulgent Genetics
Classification: Uncertain significance for Short-rib thoracic dysplasia 10 with or without polydactyly; Retinitis pigmentosa 71; Bardet-Biedl syndrome 20. Last evaluated: 2024-03-20. Review status: criteria provided, single submitter. Criteria: ACMG Guidelines, 2015. Collection method: clinical testing. Allele origin: germline.

Blueprint Genetics
Classification: Uncertain significance. Last evaluated: 2024-02-08. Review status: criteria provided, single submitter. Criteria: ACMG Guidelines, 2015. Collection method: clinical testing. Allele origin: germline.

Revvity Omics, Revvity
Classification: Uncertain significance. Last evaluated: 2023-04-12. Review status: criteria provided, single submitter. Criteria: ACMG Guidelines, 2015. Collection method: clinical testing. Allele origin: germline.